The following is an entry in ClinVar:

NM_001126108.2(SLC12A3):c.2717_2720dup (p.His907fs)

Gene: SLC12A3 (solute carrier family 12 member 3; plus strand). Cytogenetic location: 16q13.
Variant type: Duplication.
Coding change: c.2717_2720dup on transcript NM_001126108.2 (MANE Select); coding-DNA positions 2717 to 2720, 4 bases duplicated (AGCA; older notation c.2717_2720dupAGCA).
Protein change: p.His907fs; shifts the reading frame from histidine 907.
Molecular consequence: frameshift variant.
Genome position (GRCh38, 1-based): chr16:56,899,613-56,899,616, AGCA duplicated. VCF-style (leftmost placement, unchanged base first): chr16-56899612-G-GAGCA. GRCh37 (hg19) VCF-style: chr16-56933524-G-GAGCA.
Other names: c.2744_2747dup (NM_000339.2); c.2744_2747dup, p.His916fs (NM_000339.3); c.2741_2744dup, p.His915fs (NM_001126107.2); short protein forms H915fs, H907fs, H916fs.
Identifiers: ClinVar variation 1397263 (VCV001397263.13), dbSNP rs750735794, ClinGen allele CA8070025.

ClinVar aggregate classification (germline): Pathogenic. Review status: criteria provided, multiple submitters, no conflicts (2 of 4 stars). 6 submissions from 6 submitters: Pathogenic (6). Last evaluated 2025-08-21.

Conditions:
SLC12A3-related disorder. Also called: SLC12A3-related condition.
Familial hypokalemia-hypomagnesemia (GTLMNS). Also called: HYPOMAGNESEMIA-HYPOKALEMIA, PRIMARY RENOTUBULAR, WITH HYPOCALCIURIA; gitelman syndrome; POTASSIUM AND MAGNESIUM DEPLETION. Identifiers: Orphanet 358, MedGen C0268450, MONDO:0009904, OMIM 263800.

Allele frequency attached by ClinVar (database versions not stated): TOPMed below 0.00001; gnomAD exomes 0.00001 and 0.00002; gnomAD 0.00002; ExAC 0.00004.

Submissions (6):

Natera, Inc.
Classification: Pathogenic for Gitelman syndrome. Last evaluated: 2025-08-21. Review status: criteria provided, single submitter. Criteria: Natera Variant Classification Schema (03/2026). Collection method: clinical testing. Allele origin: germline.
Comment: The c.2744_2747dup variant in SLC12A3 is a frameshift variant predicted to shift the reading frame beginning at codon 916 and leads to a stop codon 7 codons downstream. This variant is expected to result in nonsense mediated decay, truncation, or a dysfunctional protein product. This variant is rare in the general population with a frequency below the threshold expected for the associated phenotype(s). This variant has been observed in one or more individuals affected with the associated recessive disease, as either homozygous or compound heterozygous with a second variant (PMID: 10988270). Given the available evidence, this variant is classified as Pathogenic.

Blueprint Genetics
Classification: Pathogenic for SLC12A3-related disorders. Last evaluated: 2024-06-03. Review status: criteria provided, single submitter. Criteria: ACMG Guidelines, 2015. Collection method: clinical testing. Allele origin: germline. Affected: yes. Observed: 5 variant alleles.

Fulgent Genetics
Classification: Pathogenic for Familial hypokalemia-hypomagnesemia. Last evaluated: 2024-04-28. Review status: criteria provided, single submitter. Criteria: ACMG Guidelines, 2015. Collection method: clinical testing. Allele origin: germline.

Labcorp Genetics (formerly Invitae), Labcorp
Classification: Pathogenic. Last evaluated: 2023-11-10. Review status: criteria provided, single submitter. Criteria: Invitae Variant Classification Sherloc (09022015). Collection method: clinical testing. Allele origin: germline.
Comment: This sequence change creates a premature translational stop signal (p.His916Glnfs*7) in the SLC12A3 gene. It is expected to result in an absent or disrupted protein product. Loss-of-function variants in SLC12A3 are known to be pathogenic (PMID: 20848653, 22009145, 25841442). This variant is present in population databases (rs750735794, gnomAD 0.005%). This premature translational stop signal has been observed in individual(s) with Gitelman syndrome (PMID: 10988270). ClinVar contains an entry for this variant (Variation ID: 1397263). For these reasons, this variant has been classified as Pathogenic.

GeneDx
Classification: Pathogenic. Last evaluated: 2023-08-04. Review status: criteria provided, single submitter. Criteria: GeneDx Variant Classification Process June 2021. Collection method: clinical testing. Allele origin: germline. Affected: yes.
Comment: Frameshift variant predicted to result in protein truncation or nonsense mediated decay in a gene for which loss of function is a known mechanism of disease; This variant is associated with the following publications: (PMID: 10988270)

Clinical Genetics Laboratory, Skane University Hospital Lund
Classification: Pathogenic. Last evaluated: 2022-07-13. Review status: criteria provided, single submitter. Criteria: ACMG Guidelines, 2015. Collection method: clinical testing. Allele origin: germline. Affected: yes.

Literature cited by the submitters: PubMed 10988270 (cited by Natera, Inc. and Labcorp Genetics (formerly Invitae), Labcorp); PubMed 20848653 (cited by Labcorp Genetics (formerly Invitae), Labcorp); PubMed 22009145 (cited by Labcorp Genetics (formerly Invitae), Labcorp); PubMed 25841442 (cited by Labcorp Genetics (formerly Invitae), Labcorp).